The following is an entry in ClinVar:

ClinVar aggregate classification (germline): Uncertain significance. Review status: criteria provided, multiple submitters, no conflicts (2 of 4 stars). 2 submissions from 2 submitters: Uncertain significance (2). Last evaluated 2024-05-06.

Conditions:
Nephrotic syndrome, type 3 (NPHS3). Also called: NEPHROTIC SYNDROME, EARLY-ONSET, TYPE 3. Identifiers: Orphanet 656, MedGen C1853124, MONDO:0012546, OMIM 610725.

Allele frequency attached by ClinVar (database versions not stated): gnomAD 0.00001; gnomAD exomes 0.00001 and 0.00002; ExAC 0.00002; 1000 Genomes Project 30x 0.00016; 1000 Genomes Project 0.00020.
gnomAD v4.1: 29 of 1,614,136 alleles (0.0018%); highest among the groups gnomAD compares: African/African-American, 0.0027%; no homozygotes.

Submissions (2):

Fulgent Genetics
Classification: Uncertain significance for Nephrotic syndrome, type 3. Last evaluated: 2024-05-06. Review status: criteria provided, single submitter. Criteria: ACMG Guidelines, 2015. Collection method: clinical testing. Allele origin: germline.

GeneDx
Classification: Uncertain significance. Last evaluated: 2021-04-14. Review status: criteria provided, single submitter. Criteria: GeneDx Variant Classification Process June 2021. Collection method: clinical testing. Allele origin: germline. Affected: yes.
Comment: In silico analysis supports that this missense variant does not alter protein structure/function; Observed on the same allele (in cis) with a second variant in a patient with focal segmental glomerulosclerosis in published literature (Lowik et al., 2008); This variant is associated with the following publications: (PMID: 18443213)

NM_016341.4(PLCE1):c.3491C>T (p.Thr1164Met)

Gene: PLCE1 (phospholipase C epsilon 1; plus strand). Cytogenetic location: 10q23.33.
Variant type: single nucleotide variant.
Coding change: c.3491C>T on transcript NM_016341.4 (MANE Select); coding-DNA position 3491, C replaced by T.
Protein change: p.Thr1164Met; replaces threonine 1164 with methionine.
Molecular consequence: missense variant.
Genome position (GRCh38, 1-based): chr10:94,254,986, C>T. VCF-style: chr10-94254986-C-T. GRCh37 (hg19) VCF-style: chr10-96014743-C-T.
Other names: c.2567C>T, p.Thr856Met (NM_001165979.2); c.3491C>T, p.Thr1164Met (NM_001288989.2); short protein forms T1164M, T856M.
Identifiers: ClinVar variation 1303197 (VCV001303197.4), dbSNP rs540730568, ClinGen allele CA5612887.